The following is an entry in ClinVar:

NM_006208.3(ENPP1):c.1300T>C (p.Tyr434His)

Gene: ENPP1 (ectonucleotide pyrophosphatase/phosphodiesterase 1; plus strand). Cytogenetic location: 6q23.2.
Variant type: single nucleotide variant.
Coding change: c.1300T>C on transcript NM_006208.3 (MANE Select); coding-DNA position 1300, T replaced by C.
Protein change: p.Tyr434His; replaces tyrosine 434 with histidine.
Molecular consequence: missense variant.
Genome position (GRCh38, 1-based): chr6:131,869,384, T>C. VCF-style: chr6-131869384-T-C. GRCh37 (hg19) VCF-style: chr6-132190524-T-C.
Other names: short protein forms Y434H.
Identifiers: ClinVar variation 2962040 (VCV002962040.3), dbSNP rs757054363, ClinGen allele CA4002161.

ClinVar aggregate classification (germline): Uncertain significance (1 of 4 stars; one submission).

Allele frequency attached by ClinVar (database versions not stated): gnomAD exomes below 0.00001; ExAC 0.00002; TOPMed 0.00002; gnomAD 0.00003.
gnomAD v4.1: 8 of 1,613,216 alleles (0.0005%); highest among the groups gnomAD compares: African/African-American, 0.004%; no homozygotes.

Submission:

Labcorp Genetics (formerly Invitae), Labcorp
Classification: Uncertain significance. Last evaluated: 2024-07-02. Review status: criteria provided, single submitter. Criteria: Invitae Variant Classification Sherloc (09022015). Collection method: clinical testing. Allele origin: germline.
Comment: This sequence change replaces tyrosine, which is neutral and polar, with histidine, which is basic and polar, at codon 434 of the ENPP1 protein (p.Tyr434His). This variant is present in population databases (rs757054363, gnomAD 0.006%). This variant has not been reported in the literature in individuals affected with ENPP1-related conditions. Advanced modeling of protein sequence and biophysical properties (such as structural, functional, and spatial information, amino acid conservation, physicochemical variation, residue mobility, and thermodynamic stability) performed at Invitae indicates that this missense variant is not expected to disrupt ENPP1 protein function with a negative predictive value of 80%. In summary, the available evidence is currently insufficient to determine the role of this variant in disease. Therefore, it has been classified as a Variant of Uncertain Significance.